The following is an entry in ClinVar:

NM_000271.5(NPC1):c.1947+14_1947+15insGGGA

Gene: NPC1 (NPC intracellular cholesterol transporter 1; minus strand). Cytogenetic location: 18q11.2.
Variant type: Insertion.
Coding change: c.1947+14_1947+15insGGGA on transcript NM_000271.5 (MANE Select); bases 14 to 15 of the intron after coding-DNA position 1947, GGGA inserted.
Molecular consequence: intron variant.
Genome position: GRCh38 VCF-style: chr18-23544945-C-CCCCT. GRCh37 (hg19) VCF-style: chr18-21124909-C-CCCCT.
Other names: c.1947+14_1947+15insAGGG (NM_000271.4).
Identifiers: ClinVar variation 2912017 (VCV002912017.5), dbSNP rs1555634634, ClinGen allele CA2290168333.

ClinVar aggregate classification (germline): Likely benign. Review status: criteria provided, single submitter (1 of 4 stars). 2 submissions from 2 submitters: Likely benign (1). 1 of the submissions does not count toward it. Last evaluated 2025-05-05.

Conditions:
NPC1-related disorder. Also called: NPC1-related condition.
Niemann-Pick disease, type C1. Also called: NEUROVISCERAL STORAGE DISEASE WITH VERTICAL SUPRANUCLEAR OPHTHALMOPLEGIA; NIEMANN-PICK DISEASE WITH CHOLESTEROL ESTERIFICATION BLOCK; NIEMANN-PICK DISEASE WITHOUT SPHINGOMYELINASE DEFICIENCY; NIEMANN-PICK DISEASE, CHRONIC NEURONOPATHIC FORM; NIEMANN-PICK DISEASE, VARIANT TYPE C1. Identifiers: Orphanet 646, MedGen C3179455, MONDO:0009757, OMIM 257220.

Submissions (2):

Labcorp Genetics (formerly Invitae), Labcorp
Classification: Likely benign for Niemann-Pick disease, type C1. Last evaluated: 2025-05-05. Review status: criteria provided, single submitter. Criteria: Invitae Variant Classification Sherloc (09022015). Collection method: clinical testing. Allele origin: germline.

PreventionGenetics, part of Exact Sciences
Classification: Likely benign for NPC1-related condition. Last evaluated: 2021-12-18. Review status: no assertion criteria provided. Collection method: clinical testing. Allele origin: germline. Not counted in ClinVar's aggregate classification.
Comment: This variant is classified as likely benign based on ACMG/AMP sequence variant interpretation guidelines (Richards et al. 2015 PMID: 25741868, with internal and published modifications).